The following is an entry in ClinVar:

NM_080424.4(SP110):c.82C>T (p.His28Tyr)

Genes: SP140 (SP140 nuclear body protein; plus strand), SP110 (SP110 nuclear body protein; minus strand). Cytogenetic location: 2q37.1.
Variant type: single nucleotide variant.
Coding change: c.82C>T on transcript NM_080424.4 (MANE Select); coding-DNA position 82, C replaced by T.
Protein change: p.His28Tyr; replaces histidine 28 with tyrosine.
Molecular consequence: missense variant.
Genome position (GRCh38, 1-based): chr2:230,216,846, G>A on the plus strand (C>T on the coding strand, the complement: SP110 is on the minus strand). VCF-style: chr2-230216846-G-A. GRCh37 (hg19) VCF-style: chr2-231081561-G-A.
Other names: c.100C>T, p.His34Tyr (NM_001185015.2, NM_001378442.1, NM_001378444.1 and 2 more transcripts); c.82C>T, p.His28Tyr (NM_001378443.1, NM_001378447.1, NM_004509.5 and 1 more transcripts); short protein forms H34Y, H28Y.
Identifiers: ClinVar variation 1364416 (VCV001364416.8), dbSNP rs865950609, ClinGen allele CA66763400.

ClinVar aggregate classification (germline): Uncertain significance (1 of 4 stars; one submission).

Conditions:
Hepatic veno-occlusive disease-immunodeficiency syndrome. Also called: Hepatic Veno-Occlusive Disease with Immunodeficiency. Identifiers: Orphanet 79124, MedGen C1856128, MONDO:0009338, OMIM 235550. Disease mechanism: loss of function.

Allele frequency attached by ClinVar (database versions not stated): gnomAD exomes below 0.00001.

Submission:

Labcorp Genetics (formerly Invitae), Labcorp
Classification: Uncertain significance for Hepatic veno-occlusive disease-immunodeficiency syndrome. Last evaluated: 2024-07-29. Review status: criteria provided, single submitter. Criteria: Invitae Variant Classification Sherloc (09022015). Collection method: clinical testing. Allele origin: germline.
Comment: This sequence change replaces histidine, which is basic and polar, with tyrosine, which is neutral and polar, at codon 28 of the SP110 protein (p.His28Tyr). This variant is not present in population databases (gnomAD no frequency). This variant has not been reported in the literature in individuals affected with SP110-related conditions. ClinVar contains an entry for this variant (Variation ID: 1364416). An algorithm developed to predict the effect of missense changes on protein structure and function outputs the following: PolyPhen-2: "Benign". The tyrosine amino acid residue is found in multiple mammalian species, which suggests that this missense change does not adversely affect protein function. In summary, the available evidence is currently insufficient to determine the role of this variant in disease. Therefore, it has been classified as a Variant of Uncertain Significance.